The following is an entry in ClinVar:

ClinVar aggregate classification (germline): Uncertain significance (1 of 4 stars; one submission).

gnomAD v4.1: 2 of 1,387,690 alleles (0.00014%); highest among the groups gnomAD compares: South Asian, 0.0014%; no homozygotes.

Submission:

CeGaT Center for Human Genetics Tuebingen
Classification: Uncertain significance. Last evaluated: 2024-02-01. Review status: criteria provided, single submitter. Criteria: CeGaT Center For Human Genetics Tuebingen Variant Classification Criteria Version 2. Collection method: clinical testing. Allele origin: germline. Affected: yes. Observed: 1 variant allele.
Comment: ARID1B: PM2

NM_001374828.1(ARID1B):c.1700C>T (p.Ala567Val)

Gene: ARID1B (AT-rich interaction domain 1B; plus strand). Cytogenetic location: 6q25.3.
Variant type: single nucleotide variant.
Coding change: c.1700C>T on transcript NM_001374828.1 (MANE Select); coding-DNA position 1700, C replaced by T.
Protein change: p.Ala567Val; replaces alanine 567 with valine.
Molecular consequence: missense variant.
Genome position (GRCh38, 1-based): chr6:156,779,380, C>T. VCF-style: chr6-156779380-C-T. GRCh37 (hg19) VCF-style: chr6-157100514-C-T.
Other names: c.1451C>T, p.Ala484Val (NM_001346813.1, NM_020732.3); c.1700C>T, p.Ala567Val (NM_001371656.1, NM_001374820.1, NM_017519.3); c.1277C>T, p.Ala426Val (NM_175863.2); short protein forms A426V, A484V, A567V.
Identifiers: ClinVar variation 3025997 (VCV003025997.22), dbSNP rs2546845665, ClinGen allele CA366385463.